The following is an entry in ClinVar:

NM_003803.4(MYOM1):c.3089A>G (p.Lys1030Arg)

Gene: MYOM1 (myomesin 1; minus strand). Cytogenetic location: 18p11.31.
Variant type: single nucleotide variant.
Coding change: c.3089A>G on transcript NM_003803.4 (MANE Select); coding-DNA position 3089, A replaced by G.
Protein change: p.Lys1030Arg; replaces lysine 1030 with arginine.
Molecular consequence: missense variant.
Genome position (GRCh38, 1-based): chr18:3,119,898, T>C on the plus strand (A>G on the coding strand, the complement: MYOM1 is on the minus strand). VCF-style: chr18-3119898-T-C. GRCh37 (hg19) VCF-style: chr18-3119896-T-C.
Other names: c.2801A>G, p.Lys934Arg (NM_019856.2); short protein forms K1030R, K934R.
Identifiers: ClinVar variation 1016399 (VCV001016399.11), dbSNP rs902378657, ClinGen allele CA295506591.

ClinVar aggregate classification (germline): Uncertain significance. Review status: criteria provided, multiple submitters, no conflicts (2 of 4 stars). 2 submissions from 2 submitters: Uncertain significance (2). Last evaluated 2026-01-14.

Conditions:
Hypertrophic cardiomyopathy. Also called: HYPERTROPHIC MYOCARDIOPATHY. Identifiers: Orphanet 217569, MedGen C0007194, MeSH D002312, MONDO:0005045, HP:0001639.

Allele frequency attached by ClinVar (database versions not stated): gnomAD exomes 0.00003; gnomAD 0.00004; TOPMed 0.00007.
gnomAD v4.1: 20 of 1,612,610 alleles (0.0012%); highest among the groups gnomAD compares: Admixed American, 0.013%; no homozygotes.

Submissions (2):

Labcorp Genetics (formerly Invitae), Labcorp
Classification: Uncertain significance for Hypertrophic cardiomyopathy. Last evaluated: 2026-01-14. Review status: criteria provided, single submitter. Criteria: Invitae Variant Classification Sherloc (09022015). Collection method: clinical testing. Allele origin: germline.
Comment: This sequence change replaces lysine, which is basic and polar, with arginine, which is basic and polar, at codon 1030 of the MYOM1 protein (p.Lys1030Arg). This variant is present in population databases (no rsID available, gnomAD 0.02%). This variant has not been reported in the literature in individuals affected with MYOM1-related conditions. ClinVar contains an entry for this variant (Variation ID: 1016399). Invitae Evidence Modeling of protein sequence and biophysical properties (such as structural, functional, and spatial information, amino acid conservation, physicochemical variation, residue mobility, and thermodynamic stability) indicates that this missense variant is not expected to disrupt MYOM1 protein function with a negative predictive value of 80%. In summary, the available evidence is currently insufficient to determine the role of this variant in disease. Therefore, it has been classified as a Variant of Uncertain Significance.

Ambry Genetics
Classification: Uncertain significance. Last evaluated: 2024-10-12. Review status: criteria provided, single submitter. Criteria: Ambry Variant Classification Scheme 2023. Collection method: clinical testing. Allele origin: germline.